The following is an entry in ClinVar:

ClinVar aggregate classification (germline): Uncertain significance. Review status: criteria provided, multiple submitters, no conflicts (2 of 4 stars). 2 submissions from 2 submitters: Uncertain significance (2). Last evaluated 2024-06-07.

Conditions:
Limb-mammary syndrome (LMS). Also called: Mammary hypoplasia, ectrodactyly, and other hand/foot anomalies. Identifiers: Orphanet 69085, MedGen C1863753, MONDO:0011334, OMIM 603543.
Ankyloblepharon-ectodermal defects-cleft lip/palate syndrome. Also called: Ankyloblepharon-ectodermal defects, cleft lip/palate; Hay-Wells syndrome of ectodermal dysplasia; AEC SYNDROME; Ankyloblepharon-Ectodermal Defects-Cleft Lip/Palate Syndrome (AEC Syndrome); HAY-WELLS SYNDROME. Identifiers: Orphanet 1071, MedGen C0406709, MONDO:0007124, OMIM 106260.
Ectrodactyly, ectodermal dysplasia, and cleft lip-palate syndrome 3. Also called: Ectrodactyly, Ectodermal Dysplasia, Clefting Syndrome; EEC SYNDROME 3; Ectrodactyly, Ectodermal Dysplasia, Clefting Syndrome Type 3 (EEC3); Ectrodactyly, Ectodermal Dysplasia, Cleft Lip/Palate Syndrome 3 (EEC3). Identifiers: Orphanet 1896, MedGen C1858562, MONDO:0011428, OMIM 604292.
Premature ovarian failure 21 (POF21). Identifiers: MedGen C5830399, MONDO:0957216, OMIM 620311.
Rapp-Hodgkin syndrome (RHS). Also called: ECTODERMAL DYSPLASIA, ANHIDROTIC, WITH CLEFT LIP/PALATE; Rapp-Hodgkin ectodermal dysplasia syndrome; Isolated Cleft Lip/Cleft Palate (Orofacial Cleft 8). Identifiers: MedGen C1785148, MONDO:0007508, OMIM 129400.
Orofacial cleft 8. Also called: Cleft lip with or without cleft palate, nonsyndromic, 8. Identifiers: MedGen C1851878, MONDO:0029145, OMIM 618149.
ADULT syndrome. Also called: ACRO-DERMATO-UNGUAL-LACRIMAL-TOOTH SYNDROME; Acro-dermato-ungual-lacrimal-tooth (adult) syndrome; Acro-Dermo-Ungual-Lacrimal-Tooth Syndrome (ADULT Syndrome). Identifiers: Orphanet 978, MedGen C1863204, MONDO:0007072, OMIM 103285.
Split hand-foot malformation 4. Also called: Split-Hand/Foot Malformation Type 4 (SHFM4 syndrome); Split-Hand/Foot Malformation Type 4 (SHFM4). Identifiers: Orphanet 2440, MedGen C1854442, MONDO:0011535, OMIM 605289.
TP63-Related Spectrum Disorders.

Allele frequency attached by ClinVar (database versions not stated): TOPMed below 0.00001; gnomAD 0.00001; gnomAD exomes 0.00001.
gnomAD v4.1: 8 of 1,614,020 alleles (0.0005%); highest among the groups gnomAD compares: Non-Finnish European, 0.00068%; no homozygotes.

Submissions (2):

Fulgent Genetics
Classification: Uncertain significance for ADULT syndrome; Ankyloblepharon-ectodermal defects-cleft lip/palate syndrome; Rapp-Hodgkin syndrome; Limb-mammary syndrome; Ectrodactyly, ectodermal dysplasia, and cleft lip-palate syndrome 3; Split hand-foot malformation 4; Orofacial cleft 8; Premature ovarian failure 21. Last evaluated: 2024-06-07. Review status: criteria provided, single submitter. Criteria: ACMG Guidelines, 2015. Collection method: clinical testing. Allele origin: germline.

Labcorp Genetics (formerly Invitae), Labcorp
Classification: Uncertain significance. Last evaluated: 2024-01-16. Review status: criteria provided, single submitter. Criteria: Invitae Variant Classification Sherloc (09022015). Collection method: clinical testing. Allele origin: germline.
Comment: This sequence change replaces methionine, which is neutral and non-polar, with isoleucine, which is neutral and non-polar, at codon 506 of the TP63 protein (p.Met506Ile). This variant is not present in population databases (gnomAD no frequency). This variant has not been reported in the literature in individuals affected with TP63-related conditions. ClinVar contains an entry for this variant (Variation ID: 2179823). Advanced modeling of protein sequence and biophysical properties (such as structural, functional, and spatial information, amino acid conservation, physicochemical variation, residue mobility, and thermodynamic stability) has been performed at Invitae for this missense variant, however the output from this modeling did not meet the statistical confidence thresholds required to predict the impact of this variant on TP63 protein function. In summary, the available evidence is currently insufficient to determine the role of this variant in disease. Therefore, it has been classified as a Variant of Uncertain Significance.

NM_003722.5(TP63):c.1518G>A (p.Met506Ile)

Gene: TP63 (tumor protein p63; plus strand). Cytogenetic location: 3q28.
Variant type: single nucleotide variant.
Coding change: c.1518G>A on transcript NM_003722.5 (MANE Select); coding-DNA position 1518, G replaced by A.
Protein change: p.Met506Ile; replaces methionine 506 with isoleucine.
Molecular consequence: missense variant. On other transcripts: intron variant (4).
Genome position (GRCh38, 1-based): chr3:189,889,350, G>A. VCF-style: chr3-189889350-G-A. GRCh37 (hg19) VCF-style: chr3-189607139-G-A.
Other names: c.1518G>A, p.Met506Ile (NM_001114978.2); c.1236G>A, p.Met412Ile (NM_001114980.2, NM_001114981.2); c.981G>A, p.Met327Ile (NM_001329146.2); c.1506G>A, p.Met502Ile (NM_001329148.2); c.1512G>A, p.Met504Ile (NM_001329964.2); c.1507+2799G>A (NM_001329144.2); c.1225+2799G>A (NM_001329145.2); c.1213+2799G>A (NM_001329149.2); and 1 more; short protein forms M412I, M504I, M327I, M502I, M506I.
Identifiers: ClinVar variation 2179823 (VCV002179823.4), dbSNP rs1419776229, ClinGen allele CA355758126.
Genomic context (GRCh38, chr3:189,889,350, plus strand): 5'-GGTACATGATGATGGCAGTAACCCTTTTTGTTCCTCCTGCTTCTGTTCAGTTCCCATGAT[G>A]GGCACCCACATGCCAATGGCTGGAGACATGAATGGACTCAGCCCCACCCAGGCACTCCCT-3'
Protein context (NP_003713.3, residues 496-516): PDGMGANIPM[Met506Ile]GTHMPMAGDM